The following is an entry in ClinVar:

NM_001329943.3(KIAA0586):c.419G>A (p.Ser140Asn)

Gene: KIAA0586 (KIAA0586; plus strand). Cytogenetic location: 14q23.1.
Variant type: single nucleotide variant.
Coding change: c.419G>A on transcript NM_001329943.3 (MANE Select); coding-DNA position 419, G replaced by A.
Protein change: p.Ser140Asn; replaces serine 140 with asparagine.
Molecular consequence: missense variant. On other transcripts: 5 prime UTR variant (1).
Genome position (GRCh38, 1-based): chr14:58,442,714, G>A. VCF-style: chr14-58442714-G-A. GRCh37 (hg19) VCF-style: chr14-58909432-G-A.
Other names: c.164G>A, p.Ser55Asn (NM_001244191.2, NM_001329945.2, NM_001364700.1 and 1 more transcripts); c.287G>A, p.Ser96Asn (NM_001244192.2); c.-2G>A (NM_001244193.2); c.419G>A, p.Ser140Asn (NM_001329944.2, NM_001329946.2, NM_001329947.2 and 1 more transcripts); c.578G>A, p.Ser193Asn (NM_001244189.2); c.374G>A, p.Ser125Asn (NM_001244190.2); short protein forms S193N, S55N, S96N, S140N, S125N.
Identifiers: ClinVar variation 1407349 (VCV001407349.5), dbSNP rs754191741, ClinGen allele CA261611598.

ClinVar aggregate classification (germline): Uncertain significance (1 of 4 stars; one submission).

Conditions:
Joubert syndrome 23 (JBTS23). Identifiers: Orphanet 475, MedGen C4084822, MONDO:0014664, OMIM 616490.
Short-rib thoracic dysplasia 14 with polydactyly (SRTD14). Identifiers: Orphanet 397715, MedGen C4225286, MONDO:0014688, OMIM 616546.

Allele frequency attached by ClinVar (database versions not stated): gnomAD 0.00001; gnomAD exomes 0.00001; TOPMed 0.00001.

Submission:

Labcorp Genetics (formerly Invitae), Labcorp
Classification: Uncertain significance for Joubert syndrome 23; Short-rib thoracic dysplasia 14 with polydactyly. Last evaluated: 2022-07-01. Review status: criteria provided, single submitter. Criteria: Invitae Variant Classification Sherloc (09022015). Collection method: clinical testing. Allele origin: germline.
Comment: This sequence change replaces serine, which is neutral and polar, with asparagine, which is neutral and polar, at codon 193 of the KIAA0586 protein (p.Ser193Asn). This variant is present in population databases (no rsID available, gnomAD 0.003%). This variant has not been reported in the literature in individuals affected with KIAA0586-related conditions. ClinVar contains an entry for this variant (Variation ID: 1407349). Algorithms developed to predict the effect of missense changes on protein structure and function output the following: SIFT: "Tolerated"; PolyPhen-2: "Benign"; Align-GVGD: "Class C0". The asparagine amino acid residue is found in multiple mammalian species, which suggests that this missense change does not adversely affect protein function. In summary, the available evidence is currently insufficient to determine the role of this variant in disease. Therefore, it has been classified as a Variant of Uncertain Significance.